The following is an entry in ClinVar:

NM_001370259.2(MEN1):c.958C>A (p.Pro320Thr)

Gene: MEN1 (menin 1; minus strand). Cytogenetic location: 11q13.1.
Variant type: single nucleotide variant.
Coding change: c.958C>A on transcript NM_001370259.2 (MANE Select); coding-DNA position 958, C replaced by A.
Protein change: p.Pro320Thr; replaces proline 320 with threonine.
Molecular consequence: missense variant. On other transcripts: non-coding transcript variant (4).
Genome position (GRCh38, 1-based): chr11:64,806,323, G>T on the plus strand (C>A on the coding strand, the complement: MEN1 is on the minus strand). VCF-style: chr11-64806323-G-T. GRCh37 (hg19) VCF-style: chr11-64573795-G-T.
Other names: c.973C>A, p.Pro325Thr (NM_130801.3, NM_130802.3, NM_130803.3 and 5 more transcripts); c.958C>A, p.Pro320Thr (NM_001370251.2, NM_001370260.2, NM_001370261.2 and 7 more transcripts); c.853C>A, p.Pro285Thr (NM_001370262.2, NM_001370263.2, NM_001407148.1 and 2 more transcripts); short protein forms P285T, P325T, P320T.
Identifiers: ClinVar variation 2699143 (VCV002699143.3), dbSNP rs1941726727, ClinGen allele CA381183366.

ClinVar aggregate classification (germline): Likely pathogenic (1 of 4 stars; one submission).

Conditions:
Multiple endocrine neoplasia, type 1 (MEN1). Also called: MEN I; WERMER SYNDROME; Endocrine adenomatosis multiple; MEN 1; MEA I. Identifiers: Orphanet 652, MedGen C0025267, MeSH D018761, MONDO:0007540, OMIM 131100.

Submission:

Labcorp Genetics (formerly Invitae), Labcorp
Classification: Likely pathogenic for Multiple endocrine neoplasia, type 1. Last evaluated: 2023-11-27. Review status: criteria provided, single submitter. Criteria: Invitae Variant Classification Sherloc (09022015). Collection method: clinical testing. Allele origin: germline.
Comment: This sequence change replaces proline, which is neutral and non-polar, with threonine, which is neutral and polar, at codon 320 of the MEN1 protein (p.Pro320Thr). This variant is not present in population databases (gnomAD no frequency). This variant has not been reported in the literature in individuals affected with MEN1-related conditions. Advanced modeling of protein sequence and biophysical properties (such as structural, functional, and spatial information, amino acid conservation, physicochemical variation, residue mobility, and thermodynamic stability) performed at Invitae indicates that this missense variant is expected to disrupt MEN1 protein function with a positive predictive value of 95%. This variant disrupts the p.Pro320 amino acid residue in MEN1. Other variant(s) that disrupt this residue have been determined to be pathogenic (PMID: 9506756, 12145286, 21819486, 23052745). This suggests that this residue is clinically significant, and that variants that disrupt this residue are likely to be disease-causing. In summary, the currently available evidence indicates that the variant is pathogenic, but additional data are needed to prove that conclusively. Therefore, this variant has been classified as Likely Pathogenic.

Literature cited by the submitters: PubMed 9506756; PubMed 12145286; PubMed 21819486; PubMed 23052745.